The following is an entry in ClinVar:

NM_005612.5(REST):c.685_687dup (p.Asp229_His230insAsp)

Gene: REST (RE1 silencing transcription factor; plus strand). Cytogenetic location: 4q12.
Variant type: Duplication.
Coding change: c.685_687dup on transcript NM_005612.5 (MANE Select); coding-DNA positions 685 to 687, 3 bases duplicated (GAT; older notation c.685_687dupGAT).
Protein change: p.Asp229_His230insAsp.
Molecular consequence: inframe insertion. On other transcripts: inframe indel (2).
Genome position (GRCh38, 1-based): chr4:56,911,323-56,911,325, GAT duplicated; duplicating any 3 consecutive bases within chr4:56,911,321-56,911,325 gives the same sequence; the c. name uses the placement nearest the transcript's 3' end. VCF-style (leftmost placement, unchanged base first): chr4-56911320-T-TATG. GRCh37 (hg19) VCF-style: chr4-57777486-T-TATG.
Other names: c.685_687dup, p.Asp229_His230insAsp (NM_001193508.2, NM_001363453.3).
Identifiers: ClinVar variation 2726981 (VCV002726981.3), dbSNP rs2475800366, ClinGen allele CA2697546796.

ClinVar aggregate classification (germline): Uncertain significance (1 of 4 stars; one submission).

Submission:

Labcorp Genetics (formerly Invitae), Labcorp
Classification: Uncertain significance. Last evaluated: 2023-06-24. Review status: criteria provided, single submitter. Criteria: Invitae Variant Classification Sherloc (09022015). Collection method: clinical testing. Allele origin: germline.
Comment: In summary, the available evidence is currently insufficient to determine the role of this variant in disease. Therefore, it has been classified as a Variant of Uncertain Significance. This variant has not been reported in the literature in individuals affected with REST-related conditions. This variant is not present in population databases (gnomAD no frequency). This variant, c.685_687dup, results in the insertion of 1 amino acid(s) of the REST protein (p.Asp229dup), but otherwise preserves the integrity of the reading frame.